The following is an entry in ClinVar:

ClinVar aggregate classification (germline): Likely benign. Review status: criteria provided, multiple submitters, no conflicts (2 of 4 stars). 2 submissions from 2 submitters: Likely benign (2). Last evaluated 2018-06-16.

Allele frequency attached by ClinVar (database versions not stated): 1000 Genomes Project 0.01897; 1000 Genomes Project 30x 0.02124; gnomAD exomes 0.03231; gnomAD 0.03327 and 0.03480; TOPMed 0.03620.
gnomAD v4.1: 41,919 of 1,288,536 alleles (3.3%); highest among the groups gnomAD compares: Middle Eastern, 6.1%; 770 homozygotes.

Submissions (2):

GeneDx
Classification: Likely benign. Last evaluated: 2018-06-16. Review status: criteria provided, single submitter. Criteria: GeneDx Variant Classification (06012015). Collection method: clinical testing. Allele origin: germline. Affected: yes.
Comment: This variant is considered likely benign or benign based on one or more of the following criteria: it is a conservative change, it occurs at a poorly conserved position in the protein, it is predicted to be benign by multiple in silico algorithms, and/or has population frequency not consistent with disease.

Breakthrough Genomics
Classification: Likely benign. Review status: criteria provided, single submitter. Criteria: ACMG Guidelines, 2015. Collection method: not provided. Allele origin: germline. Inheritance: Autosomal dominant inheritance. Affected: yes.

NM_001365902.3(NFIX):c.560-91C>T

Gene: NFIX (nuclear factor I X; plus strand). Cytogenetic location: 19p13.13.
Variant type: single nucleotide variant.
Coding change: c.560-91C>T on transcript NM_001365902.3 (MANE Select); 91 bases into the intron before coding-DNA position 560, C replaced by T.
Molecular consequence: intron variant.
Genome position (GRCh38, 1-based): chr19:13,072,956, C>T. VCF-style: chr19-13072956-C-T. GRCh37 (hg19) VCF-style: chr19-13183770-C-T.
Other names: c.584-91C>T (NM_001271043.2); c.560-91C>T (NM_002501.4, NM_001365982.2); c.536-91C>T (NM_001378404.1, NM_001271044.3); c.608-91C>T (NM_001378405.1); c.419-91C>T (NM_001365983.2); c.557-91C>T (NM_001365984.2, NM_001365985.2).
Identifiers: ClinVar variation 673023 (VCV000673023.2), dbSNP rs116307916, ClinGen allele CA305552848.